The following is an entry in ClinVar:

NM_012418.4(FSCN2):c.150C>G (p.Pro50=)

Gene: FSCN2 (fascin actin-bundling protein 2, retinal; plus strand). Cytogenetic location: 17q25.3.
Variant type: single nucleotide variant.
Coding change: c.150C>G on transcript NM_012418.4 (MANE Select); coding-DNA position 150, C replaced by G.
Protein change: p.Pro50=; no amino-acid change (proline 50 retained).
Molecular consequence: synonymous variant.
Genome position (GRCh38, 1-based): chr17:81,528,681, C>G. VCF-style: chr17-81528681-C-G. GRCh37 (hg19) VCF-style: chr17-79495707-C-G.
Other names: c.150C>G, p.Pro50= (NM_001077182.3).
Identifiers: ClinVar variation 167104 (VCV000167104.42), dbSNP rs184519759, ClinGen allele CA180066.
Genomic context (GRCh38, chr17:81,528,681, plus strand): 5'-CTTCAAGGTCAATGCCTCGGCACCCAGCCTCAAGAGGAAGCAGACCTGGGTGCTGGAACC[C>G]GACCCAGGACAAGGCACGGCTGTGCTGCTCCGCAGCAGCCACCTGGGCCGCTACCTGTCG-3'
Protein context (NP_036550.1, residues 40-60): LKRKQTWVLE[Pro50=]DPGQGTAVLL

ClinVar aggregate classification (germline): Benign/Likely benign. Review status: criteria provided, multiple submitters, no conflicts (2 of 4 stars). 7 submissions from 7 submitters: Benign (2); Likely benign (4). 1 of the submissions does not count toward it. Last evaluated 2026-01-26.

Conditions:
Retinal dystrophy. Also called: Inherited retinal dystrophy. Identifiers: Orphanet 71862, MedGen C0854723, MeSH D058499, MONDO:0019118, HP:0000556.
Retinitis pigmentosa 30 (RP30). Identifiers: Orphanet 791, MedGen C1842816, MONDO:0011935, OMIM 607921.

Allele frequency attached by ClinVar (database versions not stated): TOPMed 0.00244; ESP Exome Variant Server 0.00269; 1000 Genomes Project 30x 0.00344; gnomAD 0.00391; 1000 Genomes Project 0.00419.

Submissions (7):

Labcorp Genetics (formerly Invitae), Labcorp
Classification: Benign. Last evaluated: 2026-01-26. Review status: criteria provided, single submitter. Criteria: Invitae Variant Classification Sherloc (09022015). Collection method: clinical testing. Allele origin: germline.

Dept Of Ophthalmology, Nagoya University
Classification: Benign for Retinal dystrophy. Last evaluated: 2023-10-01. Review status: criteria provided, single submitter. Criteria: Submitter's publication. Collection method: research. Allele origin: germline. Affected: yes.

CeGaT Center for Human Genetics Tuebingen
Classification: Likely benign. Last evaluated: 2022-12-01. Review status: criteria provided, single submitter. Criteria: CeGaT Center For Human Genetics Tuebingen Variant Classification Criteria Version 2. Collection method: clinical testing. Allele origin: germline. Affected: yes. Observed: 2 variant alleles.
Comment: FSCN2: BP4, BP7, BS2

Clinical Genetics DNA and cytogenetics Diagnostics Lab, Erasmus MC, Erasmus Medical Center
Classification: Likely benign for Retinitis pigmentosa 30. Last evaluated: 2017-06-28. Review status: criteria provided, single submitter. Criteria: ACGS Guidelines, 2013. Collection method: clinical testing. Allele origin: germline. Affected: yes. Study: VKGL Data-share Consensus.

Eurofins Ntd Llc (ga)
Classification: Likely benign. Last evaluated: 2014-04-07. Review status: criteria provided, single submitter. Criteria: EGL Classification Definitions 2015. Collection method: clinical testing. Allele origin: germline. Observed: 1 variant allele, 1 heterozygote.

Breakthrough Genomics
Classification: Likely benign. Review status: criteria provided, single submitter. Criteria: ACMG Guidelines, 2015. Collection method: not provided. Allele origin: germline. Inheritance: Unknown mechanism. Affected: yes.

Clinical Genetics, Academic Medical Center
Classification: Benign. Review status: no assertion criteria provided. Collection method: clinical testing. Allele origin: germline. Affected: yes. Study: VKGL Data-share Consensus. Not counted in ClinVar's aggregate classification.